The following is an entry in ClinVar:

NM_000037.4(ANK1):c.1648C>T (p.Arg550Trp)

Gene: ANK1 (ankyrin 1; minus strand). Cytogenetic location: 8p11.21.
Variant type: single nucleotide variant.
Coding change: c.1648C>T on transcript NM_000037.4 (MANE Select); coding-DNA position 1648, C replaced by T.
Protein change: p.Arg550Trp; replaces arginine 550 with tryptophan.
Molecular consequence: missense variant.
Genome position (GRCh38, 1-based): chr8:41,715,029, G>A on the plus strand (C>T on the coding strand, the complement: ANK1 is on the minus strand). VCF-style: chr8-41715029-G-A. GRCh37 (hg19) VCF-style: chr8-41572547-G-A.
Other names: c.1648C>T, p.Arg550Trp (NM_020477.3, NM_020475.3, NM_020476.3); c.1747C>T, p.Arg583Trp (NM_001142446.2); short protein forms R550W, R583W.
Identifiers: ClinVar variation 4280780 (VCV004280780.7).
Genomic context (GRCh38, chr8:41,715,029, plus strand): 5'-AACTCACTTTTCCGGCAGCATTCGGGTGTGCGTCCCGCTCCAGCAGCAGCTCTGCCACCC[G>A]CACCTTCCCGTACTTGGCCGCCACGTGCAGAGGGGTAAATCCTTTCTGAGGAGAAACAGG-3'
Protein context (NP_000028.3, residues 540-560): LHVAAKYGKV[Arg550Trp]VAELLLERDA

ClinVar aggregate classification (germline): Uncertain significance (1 of 4 stars; one submission).

gnomAD v4.1: 22 of 1,614,060 alleles (0.0014%); highest among the groups gnomAD compares: African/African-American, 0.008%; no homozygotes.

Submission:

CeGaT Center for Human Genetics Tuebingen
Classification: Uncertain significance. Last evaluated: 2025-09-01. Review status: criteria provided, single submitter. Criteria: CeGaT Center For Human Genetics Tuebingen Variant Classification Criteria Version 2. Collection method: clinical testing. Allele origin: germline. Affected: yes. Observed: 1 variant allele.
Comment: ANK1: PM2, BP4